The following is an entry in ClinVar:

ClinVar aggregate classification (germline): Uncertain significance (1 of 4 stars; one submission).

gnomAD v4.1: 1 of 1,613,860 alleles (0.000062%); highest among the groups gnomAD compares: Non-Finnish European, 0.000085%; no homozygotes.

Submission:

Laboratory for Molecular Medicine, Mass General Brigham Personalized Medicine
Classification: Uncertain significance. Last evaluated: 2012-03-26. Review status: criteria provided, single submitter. Criteria: LMM Criteria. Collection method: clinical testing. Allele origin: germline. Observed: 1 variant allele.
Comment: The Pro840Leu variant (FBN1) has not been reported in the literature nor previou sly identified by our laboratory. This amino acid residue is not conserved acro ss mammals (orangutan has an alanine at this position) suggesting a change at th is position could be tolerated and computational analyses (biochemical amino aci d properties, conservation, AlignGVGD, PolyPhen2, and SIFT) do not provide stron g support for or against an impact to the protein. However, this information is not predictive enough to rule out pathogenicity. Therefore, additional informat ion is needed to fully assess the clinical significance of the Pro840Leu variant .

NM_000138.5(FBN1):c.2519C>T (p.Pro840Leu)

Gene: FBN1 (fibrillin 1; minus strand). Cytogenetic location: 15q21.1.
Variant type: single nucleotide variant.
Coding change: c.2519C>T on transcript NM_000138.5 (MANE Select); coding-DNA position 2519, C replaced by T.
Protein change: p.Pro840Leu; replaces proline 840 with leucine.
Molecular consequence: missense variant.
Genome position (GRCh38, 1-based): chr15:48,495,489, G>A on the plus strand (C>T on the coding strand, the complement: FBN1 is on the minus strand). VCF-style: chr15-48495489-G-A. GRCh37 (hg19) VCF-style: chr15-48787686-G-A.
Other names: short protein forms P840L.
Identifiers: ClinVar variation 42313 (VCV000042313.4), dbSNP rs397515777, ClinGen allele CA013183.